The following is an entry in ClinVar:

ClinVar aggregate classification (germline): Pathogenic/Likely pathogenic. Review status: criteria provided, multiple submitters, no conflicts (2 of 4 stars). 3 submissions from 3 submitters: Pathogenic (2); Likely pathogenic (1). Last evaluated 2025-06-15.

Conditions:
NALCN-related disorder. Also called: NALCN-related disorders; NALCN-related condition.

Allele frequency attached by ClinVar (database versions not stated): TOPMed below 0.00001; ExAC 0.00001; gnomAD 0.00001; gnomAD exomes 0.00001.
gnomAD v4.1: 12 of 1,613,986 alleles (0.00074%); highest among the groups gnomAD compares: African/African-American, 0.0013%; no homozygotes.

Submissions (3):

Labcorp Genetics (formerly Invitae), Labcorp
Classification: Pathogenic. Last evaluated: 2025-06-15. Review status: criteria provided, single submitter. Criteria: Invitae Variant Classification Sherloc (09022015). Collection method: clinical testing. Allele origin: germline.
Comment: This sequence change creates a premature translational stop signal (p.Arg842*) in the NALCN gene. It is expected to result in an absent or disrupted protein product. Loss-of-function variants in NALCN are known to be pathogenic (PMID: 23749988, 24075186). This variant is present in population databases (rs779930597, gnomAD 0.007%). This variant has not been reported in the literature in individuals affected with NALCN-related conditions. ClinVar contains an entry for this variant (Variation ID: 1201677). For these reasons, this variant has been classified as Pathogenic.

GeneDx
Classification: Pathogenic. Last evaluated: 2025-03-17. Review status: criteria provided, single submitter. Criteria: GeneDx Variant Classification Process June 2021. Collection method: clinical testing. Allele origin: germline. Affected: yes.
Comment: Reported previously in a patient with severe intellectual disability, infantile hypotonia, and characteristic facies who also harbored a second NALCN variant in trans (PMID: 38321498); Nonsense variant predicted to result in protein truncation or nonsense mediated decay in a gene for which loss of function is a known mechanism of disease; This variant is associated with the following publications: (PMID: 38321498, 39722796)

Blueprint Genetics
Classification: Likely pathogenic for NALCN-related disorders. Last evaluated: 2021-08-03. Review status: criteria provided, single submitter. Criteria: ACMG Guidelines, 2015. Collection method: clinical testing. Allele origin: germline. Affected: yes. Observed: 3 variant alleles.

Literature cited by the submitters: PubMed 23749988 (cited by Labcorp Genetics (formerly Invitae), Labcorp); PubMed 24075186 (cited by Labcorp Genetics (formerly Invitae), Labcorp).

NM_052867.4(NALCN):c.2524C>T (p.Arg842Ter)

Gene: NALCN (sodium leak channel, non-selective; minus strand). Cytogenetic location: 13q33.1.
Variant type: single nucleotide variant.
Coding change: c.2524C>T on transcript NM_052867.4 (MANE Select); coding-DNA position 2524, C replaced by T.
Protein change: p.Arg842Ter; replaces arginine 842 with a stop codon.
Molecular consequence: nonsense.
Genome position (GRCh38, 1-based): chr13:101,107,542, G>A on the plus strand (C>T on the coding strand, the complement: NALCN is on the minus strand). VCF-style: chr13-101107542-G-A. GRCh37 (hg19) VCF-style: chr13-101759893-G-A.
Other names: c.2611C>T, p.Arg871Ter (NM_001350748.2); c.2524C>T, p.Arg842Ter (NM_001350749.2); c.2437C>T, p.Arg813Ter (NM_001350750.2, NM_001350751.2); short protein forms R813*, R842*, R871*.
Identifiers: ClinVar variation 1201677 (VCV001201677.6), dbSNP rs779930597, ClinGen allele CA7035681.